The following is an entry in ClinVar:

ClinVar aggregate classification (germline): Uncertain significance (1 of 4 stars; one submission).

Conditions:
Cardiovascular phenotype. Identifiers: MedGen CN230736.

Allele frequency attached by ClinVar (database versions not stated): gnomAD exomes 0.00001.
gnomAD v4.1: 9 of 1,613,470 alleles (0.00056%); highest among the groups gnomAD compares: Non-Finnish European, 0.00068%; no homozygotes.

Submission:

Ambry Genetics
Classification: Uncertain significance for Cardiovascular phenotype. Last evaluated: 2019-12-20. Review status: criteria provided, single submitter. Criteria: Ambry Variant Classification Scheme 2023. Collection method: clinical testing. Allele origin: germline.
Comment: The p.K21164E variant (also known as c.63490A>G), located in coding exon 162 of the TTN gene, results from an A to G substitution at nucleotide position 63490. The lysine at codon 21164 is replaced by glutamic acid, an amino acid with similar properties. This amino acid position is not well conserved in available vertebrate species. In addition, this alteration is predicted to be tolerated by in silico analysis. Since supporting evidence is limited at this time, the clinical significance of this alteration remains unclear.

NM_001267550.2(TTN):c.90685A>G (p.Lys30229Glu)

Genes: TTN (titin; minus strand), TTN-AS1 (TTN antisense RNA 1; plus strand). Cytogenetic location: 2q31.2.
Variant type: single nucleotide variant.
Coding change: c.90685A>G on transcript NM_001267550.2 (MANE Select); coding-DNA position 90685, A replaced by G.
Protein change: p.Lys30229Glu; replaces lysine 30229 with glutamic acid.
Molecular consequence: missense variant.
Genome position (GRCh38, 1-based): chr2:178,552,215, T>C on the plus strand (A>G on the coding strand, the complement: TTN is on the minus strand). VCF-style: chr2-178552215-T-C. GRCh37 (hg19) VCF-style: chr2-179416942-T-C.
Other names: c.85762A>G, p.Lys28588Glu (NM_001256850.1); c.63490A>G, p.Lys21164Glu (NM_003319.4); c.82981A>G, p.Lys27661Glu (NM_133378.4); c.63865A>G, p.Lys21289Glu (NM_133432.3); c.64066A>G, p.Lys21356Glu (NM_133437.4); short protein forms K21289E, K30229E, K28588E, K21164E, K21356E, K27661E.
Identifiers: ClinVar variation 1752984 (VCV001752984.2), dbSNP rs1311556437, ClinGen allele CA349509426.
Genomic context (GRCh38, chr2:178,552,215, plus strand): 5'-GTACATCCCATGACAGGATGACACTATCAGCCTTGATTTCATCAAATCGAATGGGTCCTT[T>C]GGGCTTTGATGGTGGGCCAAGGGTGATGACTGTAATGGGGACTGCAATTCTACACACTGC-3'
Protein context (NP_001254479.2, residues 30219-30239): VITLGPPSKP[Lys30229Glu]GPIRFDEIKA